The following is an entry in ClinVar:

NM_001142864.4(PIEZO1):c.5054C>G (p.Ala1685Gly)

Gene: PIEZO1 (piezo type mechanosensitive ion channel component 1 (Er blood group); minus strand). Cytogenetic location: 16q24.3.
Variant type: single nucleotide variant.
Coding change: c.5054C>G on transcript NM_001142864.4 (MANE Select); coding-DNA position 5054, C replaced by G.
Protein change: p.Ala1685Gly; replaces alanine 1685 with glycine.
Molecular consequence: missense variant.
Genome position (GRCh38, 1-based): chr16:88,721,968, G>C on the plus strand (C>G on the coding strand, the complement: PIEZO1 is on the minus strand). VCF-style: chr16-88721968-G-C. GRCh37 (hg19) VCF-style: chr16-88788376-G-C.
Other names: short protein forms A1685G.
Identifiers: ClinVar variation 4136404 (VCV004136404.3).
Genomic context (GRCh38, chr16:88,721,968, plus strand): 5'-GCGGAGGCCGTGACCATGTGGTTGAGGATGATGATGAAGTAGCAGAGCAGCTCCGAGTGG[G>C]CGGCCACACACTGGTACACGGCCCGCAGCAGCCGCAGCGCCCGGCCCTGCCCCTCCGCAA-3'
Protein context (NP_001136336.2, residues 1675-1695): LLRAVYQCVA[Ala1685Gly]HSELLCYFII

ClinVar aggregate classification (germline): Uncertain significance. Review status: criteria provided, multiple submitters, no conflicts (2 of 4 stars). 3 submissions from 3 submitters: Uncertain significance (3). Last evaluated 2025-09-11.

Conditions:
Lymphatic malformation 6 (LMPHM6). Also called: GENERALIZED LYMPHATIC DYSPLASIA OF FOTIOU; Lymphedema, hereditary, III; PIEZO1-related generalized lymphatic dysplasia with non-immune hydrops fetalis. Identifiers: Orphanet 568062, MedGen C4225184, MONDO:0014797, OMIM 616843.
Inborn genetic diseases. Identifiers: MedGen C0950123, MeSH D030342.

gnomAD v4.1: 10 of 1,549,928 alleles (0.00065%); highest among the groups gnomAD compares: Admixed American, 0.012%; no homozygotes.

Submissions (3):

Ambry Genetics
Classification: Uncertain significance for Inborn genetic diseases. Last evaluated: 2025-09-11. Review status: criteria provided, single submitter. Criteria: Ambry Variant Classification Scheme 2023. Collection method: clinical testing. Allele origin: germline.

Clinical Genomics Laboratory, Washington University in St. Louis
Classification: Uncertain significance for Lymphatic malformation 6. Last evaluated: 2025-01-21. Review status: criteria provided, single submitter. Criteria: ACMG Guidelines, 2015. Collection method: clinical testing. Allele origin: germline.
Comment: A PIEZO1 c.5054C>G (p.Ala1685Gly) variant was identified at a near heterozygous allelic fraction of 48.1%, a frequency which may be consistent with it being of germline origin. This variant, to our knowledge, has not been reported in the medical literature or in the ClinVar database. This variant is observed on 10/1,549,928 alleles in the general population (gnomAD v.4.1.0), indicating it is not a common variant. Computational predictors suggest that the variant does not impact PIEZO1 function. Due to limited information, and based on the ACMG/AMP guidelines for variant interpretation (Richards S et al., PMID: 25741868), the clinical significance of the PIEZO1 c.5054C>G (p.Ala1685Gly) variant is uncertain at this time.

Blueprint Genetics
Classification: Uncertain significance. Last evaluated: 2021-08-30. Review status: criteria provided, single submitter. Criteria: ACMG Guidelines, 2015. Collection method: clinical testing. Allele origin: germline.